The following is an entry in ClinVar:

ClinVar aggregate classification (germline): Likely benign. Review status: criteria provided, multiple submitters, no conflicts (2 of 4 stars). 2 submissions from 2 submitters: Likely benign (2). Last evaluated 2026-02-11.

Conditions:
MACF1-related disorder. Also called: MACF1-related condition.

Allele frequency attached by ClinVar (database versions not stated): gnomAD exomes below 0.00001; TOPMed below 0.00001; ExAC 0.00001.
gnomAD v4.1: 3 of 1,614,108 alleles (0.00019%); highest among the groups gnomAD compares: Middle Eastern, 0.016%; no homozygotes.

Submissions (2):

PreventionGenetics, part of Exact Sciences
Classification: Likely benign for MACF1-related condition. Last evaluated: 2026-02-11. Review status: criteria provided, single submitter. Criteria: ACMG Guidelines, 2015. Collection method: clinical testing. Allele origin: germline.
Comment: This variant is classified as likely benign based on ACMG/AMP sequence variant interpretation guidelines (Richards et al. 2015 PMID: 25741868, with internal and published modifications).

Labcorp Genetics (formerly Invitae), Labcorp
Classification: Likely benign. Last evaluated: 2023-06-29. Review status: criteria provided, single submitter. Criteria: Invitae Variant Classification Sherloc (09022015). Collection method: clinical testing. Allele origin: germline.

NM_001394062.1(MACF1):c.16092T>C (p.Asn5364=)

Gene: MACF1 (microtubule actin crosslinking factor 1; plus strand). Cytogenetic location: 1p34.3.
Variant type: single nucleotide variant.
Coding change: c.16092T>C on transcript NM_001394062.1 (MANE Select); coding-DNA position 16092, T replaced by C.
Protein change: p.Asn5364=; no amino-acid change (asparagine 5364 retained).
Molecular consequence: synonymous variant.
Genome position (GRCh38, 1-based): chr1:39,422,843, T>C. VCF-style: chr1-39422843-T-C. GRCh37 (hg19) VCF-style: chr1-39888515-T-C.
Other names: c.4488T>C, p.Asn1496= (NM_001397473.1); c.9906T>C, p.Asn3302= (NM_012090.5).
Identifiers: ClinVar variation 2780780 (VCV002780780.4), dbSNP rs764691897, ClinGen allele CA783257.
Genomic context (GRCh38, chr1:39,422,843, plus strand): 5'-TCAAGATGCCTTGGAGCCATTGCTCAGCTGGTTGGCAGATACCGAGGAGCTCATAGCCAA[T>C]CAGAAACCTCCATCTGCTGAGTATAAAGTGGTGAAAGCACAGATCCAAGAACAGAAGGTA-3'
Protein context (NP_001380991.1, residues 5354-5374): WLADTEELIA[Asn5364=]QKPPSAEYKV